The following is an entry in ClinVar:

NM_001377.3(DYNC2H1):c.12025A>C (p.Met4009Leu)

Gene: DYNC2H1 (dynein cytoplasmic 2 heavy chain 1; plus strand). Cytogenetic location: 11q22.3.
Variant type: single nucleotide variant.
Coding change: c.12025A>C on transcript NM_001377.3 (MANE Select); coding-DNA position 12025, A replaced by C.
Protein change: p.Met4009Leu; replaces methionine 4009 with leucine.
Molecular consequence: missense variant.
Genome position (GRCh38, 1-based): chr11:103,323,976, A>C. VCF-style: chr11-103323976-A-C. GRCh37 (hg19) VCF-style: chr11-103194704-A-C.
Other names: c.12046A>C, p.Met4016Leu (NM_001080463.2); short protein forms M4009L, M4016L.
Identifiers: ClinVar variation 1320949 (VCV001320949.6), dbSNP rs763169398, ClinGen allele CA6255435.

ClinVar aggregate classification (germline): Uncertain significance. Review status: criteria provided, multiple submitters, no conflicts (2 of 4 stars). 3 submissions from 3 submitters: Uncertain significance (3). Last evaluated 2024-10-24.

Conditions:
Inborn genetic diseases. Identifiers: MedGen C0950123, MeSH D030342.
Jeune thoracic dystrophy. Also called: Jeune syndrome; Infantile thoracic dystrophy; Thoracic pelvic phalangeal dystrophy; Jeune's syndrome; Chondroectodermal dysplasia-like syndrome; Short-rib thoracic dysplasia. Identifiers: Orphanet 474, MedGen C0265275, MONDO:0018770.

Allele frequency attached by ClinVar (database versions not stated): gnomAD 0.00008 and 0.00009.
gnomAD v4.1: 20 of 1,610,736 alleles (0.0012%); highest among the groups gnomAD compares: African/African-American, 0.017%; 1 homozygote.

Submissions (3):

Labcorp Genetics (formerly Invitae), Labcorp
Classification: Uncertain significance for Jeune thoracic dystrophy. Last evaluated: 2024-10-24. Review status: criteria provided, single submitter. Criteria: Invitae Variant Classification Sherloc (09022015). Collection method: clinical testing. Allele origin: germline.
Comment: This sequence change replaces methionine, which is neutral and non-polar, with leucine, which is neutral and non-polar, at codon 4016 of the DYNC2H1 protein (p.Met4016Leu). This variant is present in population databases (rs763169398, gnomAD 0.03%). This variant has not been reported in the literature in individuals affected with DYNC2H1-related conditions. ClinVar contains an entry for this variant (Variation ID: 1320949). Invitae Evidence Modeling of protein sequence and biophysical properties (such as structural, functional, and spatial information, amino acid conservation, physicochemical variation, residue mobility, and thermodynamic stability) indicates that this missense variant is not expected to disrupt DYNC2H1 protein function with a negative predictive value of 95%. In summary, the available evidence is currently insufficient to determine the role of this variant in disease. Therefore, it has been classified as a Variant of Uncertain Significance.

Ambry Genetics
Classification: Uncertain significance for Inborn genetic diseases. Last evaluated: 2024-05-01. Review status: criteria provided, single submitter. Criteria: Ambry Variant Classification Scheme 2023. Collection method: clinical testing. Allele origin: germline.

GeneDx
Classification: Uncertain significance. Last evaluated: 2019-10-15. Review status: criteria provided, single submitter. Criteria: GeneDx Variant Classification Process June 2021. Collection method: clinical testing. Allele origin: germline. Affected: yes.
Comment: Not observed at a significant frequency in large population cohorts (Lek et al., 2016); In silico analysis, which includes protein predictors and evolutionary conservation, supports that this variant does not alter protein structure/function; Has not been previously published as pathogenic or benign to our knowledge